The following is an entry in ClinVar:

ClinVar aggregate classification (germline): Uncertain significance. Review status: criteria provided, multiple submitters, no conflicts (2 of 4 stars). 3 submissions from 3 submitters: Uncertain significance (2). 1 of the submissions does not count toward it. Last evaluated 2023-12-27.

Conditions:
MYH14-related disorder. Also called: MYH14-related condition.
Inborn genetic diseases. Identifiers: MedGen C0950123, MeSH D030342.

Allele frequency attached by ClinVar (database versions not stated): gnomAD 0.00001; ExAC 0.00002.
gnomAD v4.1: 54 of 1,613,658 alleles (0.0033%); highest among the groups gnomAD compares: Non-Finnish European, 0.0042%; no homozygotes.

Submissions (3):

Ambry Genetics
Classification: Uncertain significance for Inborn genetic diseases. Last evaluated: 2023-12-27. Review status: criteria provided, single submitter. Criteria: Ambry Variant Classification Scheme 2023. Collection method: clinical testing. Allele origin: germline.

Labcorp Genetics (formerly Invitae), Labcorp
Classification: Uncertain significance. Last evaluated: 2023-09-11. Review status: criteria provided, single submitter. Criteria: Invitae Variant Classification Sherloc (09022015). Collection method: clinical testing. Allele origin: germline.
Comment: In summary, the available evidence is currently insufficient to determine the role of this variant in disease. Therefore, it has been classified as a Variant of Uncertain Significance. Advanced modeling of protein sequence and biophysical properties (such as structural, functional, and spatial information, amino acid conservation, physicochemical variation, residue mobility, and thermodynamic stability) performed at Invitae indicates that this missense variant is expected to disrupt MYH14 protein function. This variant has not been reported in the literature in individuals affected with MYH14-related conditions. The frequency data for this variant in the population databases is considered unreliable, as metrics indicate poor data quality at this position in the gnomAD database. This sequence change replaces arginine, which is basic and polar, with histidine, which is basic and polar, at codon 1828 of the MYH14 protein (p.Arg1828His).

PreventionGenetics, part of Exact Sciences
Classification: Uncertain significance for MYH14-related condition. Last evaluated: 2024-04-03. Review status: no assertion criteria provided. Collection method: clinical testing. Allele origin: germline. Not counted in ClinVar's aggregate classification.
Comment: The MYH14 c.5606G>A variant is predicted to result in the amino acid substitution p.Arg1869His. To our knowledge, this variant has not been reported in the literature. This variant is reported in 0.0051% of alleles in individuals of East Asian descent in gnomAD. At this time, the clinical significance of this variant is uncertain due to the absence of conclusive functional and genetic evidence.

NM_001145809.2(MYH14):c.5606G>A (p.Arg1869His)

Gene: MYH14 (myosin heavy chain 14; plus strand). Cytogenetic location: 19q13.33.
Variant type: single nucleotide variant.
Coding change: c.5606G>A on transcript NM_001145809.2 (MANE Select); coding-DNA position 5606, G replaced by A.
Protein change: p.Arg1869His; replaces arginine 1869 with histidine.
Molecular consequence: missense variant.
Genome position (GRCh38, 1-based): chr19:50,301,797, G>A. VCF-style: chr19-50301797-G-A. GRCh37 (hg19) VCF-style: chr19-50805054-G-A.
Other names: c.5606G>A (NM_001145809.1); c.5507G>A, p.Arg1836His (NM_001077186.2); c.5483G>A, p.Arg1828His (NM_024729.4); c.5483G>A (NM_024729.3); short protein forms R1836H, R1828H, R1869H.
Identifiers: ClinVar variation 2979155 (VCV002979155.5), dbSNP rs773798800, ClinGen allele CA9593860.